The following is an entry in ClinVar:

NM_001004356.3(FGFRL1):c.541G>A (p.Asp181Asn)

Gene: FGFRL1 (fibroblast growth factor receptor like 1; plus strand). Cytogenetic location: 4p16.3.
Variant type: single nucleotide variant.
Coding change: c.541G>A on transcript NM_001004356.3 (MANE Select); coding-DNA position 541, G replaced by A.
Protein change: p.Asp181Asn; replaces aspartic acid 181 with asparagine.
Molecular consequence: missense variant.
Genome position (GRCh38, 1-based): chr4:1,023,924, G>A. VCF-style: chr4-1023924-G-A. GRCh37 (hg19) VCF-style: chr4-1017712-G-A.
Other names: c.541G>A, p.Asp181Asn (NM_001004358.1, NM_001370296.1, NM_021923.3); short protein forms D181N.
Identifiers: ClinVar variation 728655 (VCV000728655.12), dbSNP rs201262483, ClinGen allele CA2802761.

ClinVar aggregate classification (germline): Benign/Likely benign. Review status: criteria provided, multiple submitters, no conflicts (2 of 4 stars). 3 submissions from 3 submitters: Benign (1); Likely benign (1). 1 of the submissions does not count toward it. Last evaluated 2025-11-12.

Conditions:
FGFRL1-related disorder. Also called: FGFRL1-related condition.
4p partial monosomy syndrome (WHS). Also called: PITT SYNDROME; WITTWER SYNDROME; CHROMOSOME 4p16.3 DELETION SYNDROME; Wolf-Hirschhorn syndrome. Identifiers: Orphanet 280, MedGen C1956097, MONDO:0008684, OMIM 194190.

Allele frequency attached by ClinVar (database versions not stated): gnomAD 0.00041 and 0.00067; gnomAD exomes 0.00056 and 0.00143; TOPMed 0.00075; ExAC 0.00225; 1000 Genomes Project 30x 0.00250; 1000 Genomes Project 0.00260.
gnomAD v4.1: 917 of 1,582,838 alleles (0.058%); highest among the groups gnomAD compares: East Asian, 1.6%; 11 homozygotes.

Submissions (3):

Labcorp Genetics (formerly Invitae), Labcorp
Classification: Benign. Last evaluated: 2025-11-12. Review status: criteria provided, single submitter. Criteria: Invitae Variant Classification Sherloc (09022015). Collection method: clinical testing. Allele origin: germline.

Fulgent Genetics
Classification: Likely benign for 4p partial monosomy syndrome. Last evaluated: 2021-10-11. Review status: criteria provided, single submitter. Criteria: ACMG Guidelines, 2015. Collection method: clinical testing. Allele origin: unknown.

PreventionGenetics, part of Exact Sciences
Classification: Benign for FGFRL1-related condition. Last evaluated: 2019-02-22. Review status: no assertion criteria provided. Collection method: clinical testing. Allele origin: germline. Not counted in ClinVar's aggregate classification.
Comment: This variant is classified as benign based on ACMG/AMP sequence variant interpretation guidelines (Richards et al. 2015 PMID: 25741868, with internal and published modifications).